The following is an entry in ClinVar:

NM_004341.5(CAD):c.1498C>T (p.Arg500Trp)

Gene: CAD (carbamoyl-phosphate synthetase 2, aspartate transcarbamylase, and dihydroorotase; plus strand). Cytogenetic location: 2p23.3.
Variant type: single nucleotide variant.
Coding change: c.1498C>T on transcript NM_004341.5 (MANE Select); coding-DNA position 1498, C replaced by T.
Protein change: p.Arg500Trp; replaces arginine 500 with tryptophan.
Molecular consequence: missense variant.
Genome position (GRCh38, 1-based): chr2:27,225,121, C>T. VCF-style: chr2-27225121-C-T. GRCh37 (hg19) VCF-style: chr2-27447989-C-T.
Other names: c.1498C>T, p.Arg500Trp (NM_001306079.2); short protein forms R500W.
Identifiers: ClinVar variation 1471955 (VCV001471955.5), dbSNP rs1301434055, ClinGen allele CA346204972.

ClinVar aggregate classification (germline): Uncertain significance (1 of 4 stars; one submission).

Allele frequency attached by ClinVar (database versions not stated): gnomAD exomes below 0.00001 and 0.00001.

Submission:

Labcorp Genetics (formerly Invitae), Labcorp
Classification: Uncertain significance. Last evaluated: 2021-09-01. Review status: criteria provided, single submitter. Criteria: Invitae Variant Classification Sherloc (09022015). Collection method: clinical testing. Allele origin: germline.
Comment: This sequence change replaces arginine with tryptophan at codon 500 of the CAD protein (p.Arg500Trp). The arginine residue is moderately conserved and there is a moderate physicochemical difference between arginine and tryptophan. This variant is not present in population databases (ExAC no frequency). This variant has not been reported in the literature in individuals affected with CAD-related conditions. Algorithms developed to predict the effect of missense changes on protein structure and function are either unavailable or do not agree on the potential impact of this missense change (SIFT: "Tolerated"; PolyPhen-2: "Possibly Damaging"; Align-GVGD: "Class C0"). In summary, the available evidence is currently insufficient to determine the role of this variant in disease. Therefore, it has been classified as a Variant of Uncertain Significance.